The following is an entry in ClinVar:

NM_000138.5(FBN1):c.7428G>A (p.Leu2476=)

Gene: FBN1 (fibrillin 1; minus strand). Cytogenetic location: 15q21.1.
Variant type: single nucleotide variant.
Coding change: c.7428G>A on transcript NM_000138.5 (MANE Select); coding-DNA position 7428, G replaced by A.
Protein change: p.Leu2476=; no amino-acid change (leucine 2476 retained).
Molecular consequence: synonymous variant.
Genome position (GRCh38, 1-based): chr15:48,425,394, C>T on the plus strand (G>A on the coding strand, the complement: FBN1 is on the minus strand). VCF-style: chr15-48425394-C-T. GRCh37 (hg19) VCF-style: chr15-48717591-C-T.
Identifiers: ClinVar variation 924352 (VCV000924352.9), dbSNP rs1229985371, ClinGen allele CA490016708.

ClinVar aggregate classification (germline): Likely benign. Review status: criteria provided, multiple submitters, no conflicts (2 of 4 stars). 5 submissions from 5 submitters: Likely benign (5). Last evaluated 2025-09-22.

Conditions:
Familial thoracic aortic aneurysm and aortic dissection (TAAD). Also called: Thoracic aortic aneurysms and dissections. Identifiers: Orphanet 91387, MedGen C4707243, MONDO:0019625.
Marfan syndrome (MFS). Also called: Marfan syndrome, classic; Marfan syndrome type 1; Marfan's syndrome; FBN1-Related Marfan Syndrome; MARFAN SYNDROME, TYPE I. Identifiers: Orphanet 284963, Orphanet 558, MedGen C0024796, MONDO:0007947, OMIM 154700.

Allele frequency attached by ClinVar (database versions not stated): gnomAD exomes below 0.00001.
gnomAD v4.1: 2 of 1,614,202 alleles (0.00012%); highest among the groups gnomAD compares: Non-Finnish European, 0.00017%; no homozygotes.

Submissions (5):

Ambry Genetics
Classification: Likely benign for Familial thoracic aortic aneurysm and aortic dissection. Last evaluated: 2025-09-22. Review status: criteria provided, single submitter. Criteria: Ambry Variant Classification Scheme 2023. Collection method: clinical testing. Allele origin: germline.

Labcorp Genetics (formerly Invitae), Labcorp
Classification: Likely benign for Marfan syndrome; Familial thoracic aortic aneurysm and aortic dissection. Last evaluated: 2025-06-10. Review status: criteria provided, single submitter. Criteria: Invitae Variant Classification Sherloc (09022015). Collection method: clinical testing. Allele origin: germline.

All of Us Research Program, National Institutes of Health
Classification: Likely benign for Marfan syndrome. Last evaluated: 2024-05-17. Review status: criteria provided, single submitter. Criteria: ACMG Guidelines, 2015. Collection method: clinical testing. Allele origin: germline. Inheritance: Autosomal dominant inheritance. Observed: 1 variant allele, 1 heterozygote.
Comment: This study involves interpretation of variants in research participants for the purpose of population health screening. Participant phenotype was not available at the time of variant classification. Additional details can be found in publication PMID: 35346344, PMCID: PMC8962531

Color Diagnostics, LLC DBA Color Health
Classification: Likely benign for Familial thoracic aortic aneurysm and aortic dissection. Last evaluated: 2019-08-14. Review status: criteria provided, single submitter. Criteria: ACMG Guidelines, 2015. Collection method: clinical testing. Allele origin: germline.

GeneDx
Classification: Likely benign. Last evaluated: 2019-03-22. Review status: criteria provided, single submitter. Criteria: GeneDx Variant Classification Process June 2021. Collection method: clinical testing. Allele origin: germline. Affected: yes.